The following is an entry in ClinVar:

NM_201548.5(CERKL):c.1037G>A (p.Arg346Lys)

Gene: CERKL (CERK like autophagy regulator; minus strand). Cytogenetic location: 2q31.3.
Variant type: single nucleotide variant.
Coding change: c.1037G>A on transcript NM_201548.5 (MANE Select); coding-DNA position 1037, G replaced by A.
Protein change: p.Arg346Lys; replaces arginine 346 with lysine.
Molecular consequence: missense variant. On other transcripts: non-coding transcript variant (2).
Genome position (GRCh38, 1-based): chr2:181,548,716, C>T on the plus strand (G>A on the coding strand, the complement: CERKL is on the minus strand). VCF-style: chr2-181548716-C-T. GRCh37 (hg19) VCF-style: chr2-182413443-C-T.
Other names: c.1115G>A, p.Arg372Lys (NM_001030311.3); c.698G>A, p.Arg233Lys (NM_001030312.3); c.830G>A, p.Arg277Lys (NM_001030313.3); c.*319G>A (NM_001030314.1, NM_001030315.1); c.983G>A, p.Arg328Lys (NM_001160277.2); short protein forms R233K, R277K, R328K, R346K, R372K.
Identifiers: ClinVar variation 2107365 (VCV002107365.4), dbSNP rs1687845174, ClinGen allele CA349736912.

ClinVar aggregate classification (germline): Uncertain significance (1 of 4 stars; one submission).

Submission:

Labcorp Genetics (formerly Invitae), Labcorp
Classification: Uncertain significance. Last evaluated: 2022-08-08. Review status: criteria provided, single submitter. Criteria: Invitae Variant Classification Sherloc (09022015). Collection method: clinical testing. Allele origin: germline.
Comment: This variant is not present in population databases (gnomAD no frequency). This sequence change replaces arginine, which is basic and polar, with lysine, which is basic and polar, at codon 372 of the CERKL protein (p.Arg372Lys). This variant has not been reported in the literature in individuals affected with CERKL-related conditions. Algorithms developed to predict the effect of missense changes on protein structure and function output the following: SIFT: "Tolerated"; PolyPhen-2: "Benign"; Align-GVGD: "Class C0". The lysine amino acid residue is found in multiple mammalian species, which suggests that this missense change does not adversely affect protein function. In summary, the available evidence is currently insufficient to determine the role of this variant in disease. Therefore, it has been classified as a Variant of Uncertain Significance.